The following is an entry in ClinVar:

ClinVar aggregate classification (germline): Uncertain significance. Review status: criteria provided, multiple submitters, no conflicts (2 of 4 stars). 2 submissions from 2 submitters: Uncertain significance (2). Last evaluated 2025-09-11.

Conditions:
Inborn genetic diseases. Identifiers: MedGen C0950123, MeSH D030342.

Submissions (2):

Ambry Genetics
Classification: Uncertain significance for Inborn genetic diseases. Last evaluated: 2025-09-11. Review status: criteria provided, single submitter. Criteria: Ambry Variant Classification Scheme 2023. Collection method: clinical testing. Allele origin: germline.

Labcorp Genetics (formerly Invitae), Labcorp
Classification: Uncertain significance. Last evaluated: 2022-04-12. Review status: criteria provided, single submitter. Criteria: Invitae Variant Classification Sherloc (09022015). Collection method: clinical testing. Allele origin: germline.
Comment: This sequence change replaces glutamic acid, which is acidic and polar, with lysine, which is basic and polar, at codon 234 of the ADAMTSL4 protein (p.Glu234Lys). This variant is present in population databases (no rsID available, gnomAD 0.006%). This variant has not been reported in the literature in individuals affected with ADAMTSL4-related conditions. Algorithms developed to predict the effect of missense changes on protein structure and function output the following: SIFT: "Tolerated"; PolyPhen-2: "Benign"; Align-GVGD: "Class C0". The lysine amino acid residue is found in multiple mammalian species, which suggests that this missense change does not adversely affect protein function. In summary, the available evidence is currently insufficient to determine the role of this variant in disease. Therefore, it has been classified as a Variant of Uncertain Significance.

NM_019032.6(ADAMTSL4):c.700G>A (p.Glu234Lys)

Genes: ADAMTSL4 (ADAMTS like 4; plus strand), ADAMTSL4-AS2 (ADAMTSL4 antisense RNA 2; minus strand). Cytogenetic location: 1q21.2.
Variant type: single nucleotide variant.
Coding change: c.700G>A on transcript NM_019032.6 (MANE Select); coding-DNA position 700, G replaced by A.
Protein change: p.Glu234Lys; replaces glutamic acid 234 with lysine.
Molecular consequence: missense variant.
Genome position (GRCh38, 1-based): chr1:150,553,691, G>A. VCF-style: chr1-150553691-G-A. GRCh37 (hg19) VCF-style: chr1-150526167-G-A.
Other names: c.700G>A, p.Glu234Lys (NM_001288607.2, NM_001288608.2, NM_001378596.1 and 1 more transcripts); c.700G>A (NM_019032.4); short protein forms E234K.
Identifiers: ClinVar variation 2125273 (VCV002125273.3), dbSNP rs1248689048, ClinGen allele CA342301836.